The following is an entry in ClinVar:

ClinVar aggregate classification (germline): Uncertain significance. Review status: criteria provided, multiple submitters, no conflicts (2 of 4 stars). 4 submissions from 4 submitters: Uncertain significance (4). Last evaluated 2025-09-05.

Conditions:
Familial thoracic aortic aneurysm and aortic dissection (TAAD). Also called: Thoracic aortic aneurysms and dissections. Identifiers: Orphanet 91387, MedGen C4707243, MONDO:0019625.
Congenital contractural arachnodactyly (CCA). Also called: Beals-Hecht syndrome; BEALS SYNDROME; Arthrogryposis, distal, type 9. Identifiers: Orphanet 115, MedGen C0220668, MONDO:0007363, OMIM 121050.

Submissions (4):

Ambry Genetics
Classification: Uncertain significance for Familial thoracic aortic aneurysm and aortic dissection. Last evaluated: 2025-09-05. Review status: criteria provided, single submitter. Criteria: Ambry Variant Classification Scheme 2023. Collection method: clinical testing. Allele origin: germline.
Comment: The c.8061_8067delCCAGTTCinsG variant, located in coding exon 63 of the FBN2 gene, results from an in-frame deletion of CCAGTTC and insertion of G at nucleotide positions 8061 to 8067. This results in the substitution of the residue for a glutamic acid residue at codon 2687, an amino acid with highly similar properties. This amino acid region ranges from highly conserved to not well conserved in available vertebrate species. In addition, this variant is predicted to be deleterious by in silico analysis (Choi Y et al. PLoS ONE. 2012; 7(10):e46688). Based on the available evidence, the clinical significance of this variant remains unclear.

Women's Health and Genetics/Laboratory Corporation of America, LabCorp
Classification: Uncertain significance. Last evaluated: 2025-05-28. Review status: criteria provided, single submitter. Criteria: LabCorp Variant Classification Summary - May 2015. Collection method: clinical testing. Allele origin: germline.
Comment: Variant summary: FBN2 c.8061_8067delinsG (p.Asp2687_Phe2689delinsGlu) results in an in-frame deletion-insertion that is predicted to delete 3 amino acids from the protein and inserts 1 amino acid. The variant was absent in 251274 control chromosomes. The available data on variant occurrences in the general population are insufficient to allow any conclusion about variant significance. To our knowledge, no occurrence of c.8061_8067delinsG in individuals affected with Nonsyndromic Heritable Thoracic Aortic Aneurysms And Dissections and no experimental evidence demonstrating its impact on protein function have been reported. ClinVar contains an entry for this variant (Variation ID: 213387). Based on the evidence outlined above, the variant was classified as uncertain significance.

Labcorp Genetics (formerly Invitae), Labcorp
Classification: Uncertain significance for Congenital contractural arachnodactyly. Last evaluated: 2024-02-24. Review status: criteria provided, single submitter. Criteria: Invitae Variant Classification Sherloc (09022015). Collection method: clinical testing. Allele origin: germline.
Comment: This variant, c.8061_8067delinsG, results in the deletion of 3 amino acid(s) and the insertion of one amino acid of the FBN2 protein (p.Gln2687_Phe2689delinsGlu), but otherwise preserves the integrity of the reading frame. Information on the frequency of this variant in the gnomAD database is not available, as this variant may be reported differently in the database. This variant has not been reported in the literature in individuals affected with FBN2-related conditions. Experimental studies and prediction algorithms are not available or were not evaluated, and the functional significance of this variant is currently unknown. In summary, the available evidence is currently insufficient to determine the role of this variant in disease. Therefore, it has been classified as a Variant of Uncertain Significance.

GeneDx
Classification: Uncertain significance. Last evaluated: 2021-10-05. Review status: criteria provided, single submitter. Criteria: GeneDx Variant Classification Process June 2021. Collection method: clinical testing. Allele origin: germline. Affected: yes.
Comment: Has not been previously published as pathogenic or benign to our knowledge; Not observed at significant frequency in large population cohorts (Lek et al., 2016); In silico analysis supports a deleterious effect on protein structure/function; In-frame deletion of three amino acids (Asp-Gln-Phe) and insertion of a glutamic acid residue (Glu); Although located in a calcium-binding EGF-like domain of the FBN2 gene, it does not affect a cysteine residue within this domain; cysteine substitutions in the calcium-binding EGF-like domains represent the majority of pathogenic missense changes associated with FBN2-related disorders (Frdric et al., 2009)

NM_001999.4(FBN2):c.8061_8067delinsG (p.Asp2687_Phe2689delinsGlu)

Gene: FBN2 (fibrillin 2; minus strand). Cytogenetic location: 5q23.3.
Variant type: Indel.
Coding change: c.8061_8067delinsG on transcript NM_001999.4 (MANE Select); coding-DNA positions 8061 to 8067, CCAGTTC replaced by G.
Protein change: p.Asp2687_Phe2689delinsGlu.
Molecular consequence: inframe indel.
Genome position (GRCh38, 1-based): chr5:128,263,550-128,263,556, GAACTGG replaced by C on the plus strand (CCAGTTC replaced by G on the coding strand, the reverse complement: FBN2 is on the minus strand). VCF-style: chr5-128263550-GAACTGG-C. GRCh37 (hg19) VCF-style: chr5-127599242-GAACTGG-C.
Identifiers: ClinVar variation 213387 (VCV000213387.9), dbSNP rs863223597, ClinGen allele CA323104.